The following is an entry in ClinVar:

ClinVar aggregate classification (germline): Likely benign (1 of 4 stars; one submission).

Conditions:
ETFDH-related disorder. Also called: ETFDH-related condition.

Submission:

PreventionGenetics, part of Exact Sciences
Classification: Likely benign for ETFDH-related condition. Last evaluated: 2025-05-20. Review status: criteria provided, single submitter. Criteria: ACMG Guidelines, 2015. Collection method: clinical testing. Allele origin: germline.
Comment: This variant is classified as likely benign based on ACMG/AMP sequence variant interpretation guidelines (Richards et al. 2015 PMID: 25741868, with internal and published modifications).

NM_004453.4(ETFDH):c.176-642T>C

Gene: ETFDH (electron transfer flavoprotein dehydrogenase; plus strand). Cytogenetic location: 4q32.1.
Variant type: single nucleotide variant.
Coding change: c.176-642T>C on transcript NM_004453.4 (MANE Select); 642 bases into the intron before coding-DNA position 176, T replaced by C.
Molecular consequence: intron variant.
Genome position (GRCh38, 1-based): chr4:158,681,553, T>C. VCF-style: chr4-158681553-T-C. GRCh37 (hg19) VCF-style: chr4-159602705-T-C.
Other names: c.35-642T>C (NM_001281737.2).
Identifiers: ClinVar variation 4983361 (VCV004983361.1).